The following is an entry in ClinVar:

ClinVar aggregate classification (germline): Uncertain significance (1 of 4 stars; one submission).

Submission:

GeneDx
Classification: Uncertain significance. Last evaluated: 2020-01-23. Review status: criteria provided, single submitter. Criteria: GeneDx Variant Classification Process June 2021. Collection method: clinical testing. Allele origin: germline. Affected: yes.
Comment: Not observed in large population cohorts (Lek et al., 2016); The majority of missense variants in this gene are considered pathogenic (Stenson et al., 2014); In silico analysis, which includes protein predictors and evolutionary conservation, supports that this variant does not alter protein structure/function; In-silico analysis including splice predictors is inconclusive as to whether the variant alters gene splicing. In the absence of RNA/functional studies, the actual effect of this sequence change is unknown.; Has not been previously published as pathogenic or benign to our knowledge

NM_172107.4(KCNQ2):c.1301G>A (p.Ser434Asn)

Gene: KCNQ2 (potassium voltage-gated channel subfamily Q member 2; minus strand). Cytogenetic location: 20q13.33.
Variant type: single nucleotide variant.
Coding change: c.1301G>A on transcript NM_172107.4 (MANE Select); coding-DNA position 1301, G replaced by A.
Protein change: p.Ser434Asn; replaces serine 434 with asparagine.
Molecular consequence: missense variant. On other transcripts: intron variant (4).
Genome position (GRCh38, 1-based): chr20:63,419,619, C>T on the plus strand (G>A on the coding strand, the complement: KCNQ2 is on the minus strand). VCF-style: chr20-63419619-C-T. GRCh37 (hg19) VCF-style: chr20-62050972-C-T.
Other names: c.1218-4493G>A (NM_004518.6); c.1248-4529G>A (NM_172108.5); c.1248-4493G>A (NM_172106.3, NM_001382235.1); short protein forms S434N.
Identifiers: ClinVar variation 1312018 (VCV001312018.2), dbSNP rs2145587725, ClinGen allele CA409648429.